The following continues an entry in ClinVar:

NM_032043.3(BRIP1):c.2564G>A (p.Arg855His)

Gene: BRIP1. ClinVar aggregate classification (germline): Uncertain significance. Uncertain significance (14).

Submissions 11 to 17 of 17:

St. Jude Molecular Pathology, St. Jude Children's Research Hospital
Classification: Uncertain significance for Familial cancer of breast. Last evaluated: 2023-10-25. Review status: criteria provided, single submitter. Criteria: St. Jude Assertion Criteria 2020. Collection method: clinical testing. Allele origin: germline.
Comment: The BRIP1 c.2564G>A (p.Arg855His) missense change has a maximum subpopulation frequency of 0.032% in gnomAD v2.1.1. The in silico tool REVEL is inconclusive about a pathogenic or benign effect of this variant on protein function, and to our knowledge functional studies have not been performed. This variant has been reported in individuals with breast cancer (PMID: 26921362, 31206626), pancreatic and colon cancer (PMID: 29360161), and prostate cancer (PMID: 32832836). One individual with this variant is also reported in a database of women older than 70 years of age who have never had cancer (FLOSSIES). In summary, the evidence currently available is insufficient to determine the clinical significance of this variant. It has therefore been classified as of uncertain significance.

Myriad Genetics, Inc.
Classification: Uncertain significance for Familial cancer of breast. Last evaluated: 2023-03-02. Review status: criteria provided, single submitter. Criteria: Myriad Autosomal Dominant, Autosomal Recessive and X-Linked Classification Criteria (2023). Collection method: clinical testing. Allele origin: unknown.
Comment: This variant is classified as a variant of uncertain significance as there is insufficient evidence to determine its impact on protein function and/or cancer risk.

Department of Pathology and Laboratory Medicine, Sinai Health System
Classification: Uncertain significance for Familial cancer of breast. Last evaluated: 2023-01-23. Review status: criteria provided, single submitter. Criteria: ACMG Guidelines, 2015. Collection method: clinical testing. Allele origin: germline. Affected: yes.

Sema4
Classification: Uncertain significance for Hereditary cancer-predisposing syndrome. Last evaluated: 2021-12-16. Review status: criteria provided, single submitter. Criteria: Sema4 Curation Guidelines. Collection method: curation. Allele origin: germline.
Comment: The BRIP1 c.2564G>A (p.R855H) variant has been reported in individuals with breast cancer and Lynch-syndrome associated cancer and/or colorectal polyps. (PMID: 25980754, 26921362, 31822495). However, it was also found in controls in an ovarian cancer case control study (PMID: 26315354). It has been reported in a large case-control study of breast cancer in 2/60466 cases and 4/53461 controls (PMID: 33471991). It was observed in 8/24962 chromosomes of the African/African American subpopulation in the large and broad cohorts of the Genome Aggregation Database (PMID: 32461654). The variant has been reported in ClinVar (Variation ID 128175). In silico tools suggest the impact of the variant on protein function is inconclusive though these predictions have not been confirmed by functional studies. The evidence is insufficient to meet ACMG/AMP criteria for classifying the variant as benign or pathogenic. Thus, the clinical significance of this variant is currently uncertain.

PreventionGenetics, part of Exact Sciences
Classification: Uncertain significance for BRIP1-related condition. Last evaluated: 2024-09-10. Review status: no assertion criteria provided. Collection method: clinical testing. Allele origin: germline. Not counted in ClinVar's aggregate classification.
Comment: The BRIP1 c.2564G>A variant is predicted to result in the amino acid substitution p.Arg855His. This variant has been reported in individuals with a history of breast, pancreatic, and Lynch syndrome-associated cancers (Supplemental Table 2, Yurgelun et al. 2015. PubMed ID: 25980754; Easton et al. 2016. PubMed ID: 26921362; Supporting Table 1, Dudley et al. 2018. PubMed ID: 29360161; Table S3, Weitzel et al. 2019. PubMed ID: 31206626; Table S22, Dorling et al. 2021. PubMed ID: 33471991). However, it has also been reported in control cohorts (Supplementary Table 4, Ramus et al. 2015. PubMed ID: 26315354; Table S3, Weitzel et al. 2019. PubMed ID: 31206626; Table S22, Dorling et al. 2021. PubMed ID: 33471991). This variant is reported in 0.032% of alleles in individuals of African descent in gnomAD and is interpreted as uncertain in ClinVar. At this time, the clinical significance of this variant is uncertain due to the absence of conclusive functional and genetic evidence.

Counsyl
Classification: Uncertain significance for Fanconi anemia complementation group J; Ovarian cancer. Last evaluated: 2018-01-04. Review status: no assertion criteria provided. Collection method: clinical testing. Allele origin: unknown. Not counted in ClinVar's aggregate classification.

Pathway Genomics
Classification: Uncertain significance for Fanconi anemia, complementation group J. Last evaluated: 2014-07-24. Review status: no assertion criteria provided. Collection method: clinical testing. Allele origin: germline. Not counted in ClinVar's aggregate classification.

Literature cited by the submitters: PubMed 25980754 (cited by 7 submitters); PubMed 26921362 (cited by 8 submitters); PubMed 31206626 (cited by 4 submitters); PubMed 35534704 (cited by 5 submitters); PubMed 31822495 (cited by 3 submitters); PubMed 33471991 (cited by 5 submitters); PubMed 37088804 (cited by Color Diagnostics, LLC DBA Color Health); PubMed 26315354 (cited by 5 submitters); PubMed 29360161 (cited by Women's Health and Genetics/Laboratory Corporation of America, LabCorp and Quest Diagnostics Nichols Institute San Juan Capistrano); PubMed 30426508 (cited by Women's Health and Genetics/Laboratory Corporation of America, LabCorp and Quest Diagnostics Nichols Institute San Juan Capistrano).